The following is an entry in ClinVar:

NM_016169.4(SUFU):c.1158-3C>T

Gene: SUFU (SUFU negative regulator of hedgehog signaling; plus strand). Cytogenetic location: 10q24.32.
Variant type: single nucleotide variant.
Coding change: c.1158-3C>T on transcript NM_016169.4 (MANE Select); 3 bases into the intron before coding-DNA position 1158, C replaced by T.
Molecular consequence: intron variant.
Genome position (GRCh38, 1-based): chr10:102,617,287, C>T. VCF-style: chr10-102617287-C-T. GRCh37 (hg19) VCF-style: chr10-104377044-C-T.
Other names: c.1158-3C>T (NM_016169.3, NM_001178133.2).
Identifiers: ClinVar variation 1376361 (VCV001376361.7), dbSNP rs936830108, ClinGen allele CA212241834.

ClinVar aggregate classification (germline): Uncertain significance. Review status: criteria provided, multiple submitters, no conflicts (2 of 4 stars). 2 submissions from 2 submitters: Uncertain significance (2). Last evaluated 2025-10-03.

Conditions:
Gorlin syndrome. Also called: Basal cell nevus syndrome; Nevoid Basal Cell Carcinoma Syndrome. Identifiers: Orphanet 377, MedGen C0004779, MONDO:0007187.
Medulloblastoma (MDB). Also called: MEDULLOBLASTOMA PREDISPOSITION SYNDROME; Medulloblastoma, somatic. Identifiers: Orphanet 616, MedGen C0025149, MeSH D008527, MONDO:0007959, OMIM 155255, HP:0002885.
Hereditary cancer-predisposing syndrome. Also called: Tumor predisposition; Hereditary neoplastic syndrome; Neoplastic Syndromes, Hereditary; Hereditary Cancer Syndrome. Identifiers: Orphanet 140162, MedGen C0027672, MeSH D009386, MONDO:0015356.

Allele frequency attached by ClinVar (database versions not stated): gnomAD exomes below 0.00001; TOPMed below 0.00001.
gnomAD v4.1: 2 of 1,614,240 alleles (0.00012%); highest among the groups gnomAD compares: East Asian, 0.0022%; no homozygotes.

Submissions (2):

Labcorp Genetics (formerly Invitae), Labcorp
Classification: Uncertain significance for Gorlin syndrome; Medulloblastoma. Last evaluated: 2025-10-03. Review status: criteria provided, single submitter. Criteria: Invitae Variant Classification Sherloc (09022015). Collection method: clinical testing. Allele origin: germline.
Comment: This sequence change falls in intron 9 of the SUFU gene. It does not directly change the encoded amino acid sequence of the SUFU protein. It affects a nucleotide within the consensus splice site. This variant is present in population databases (no rsID available, gnomAD 0.006%). This variant has not been reported in the literature in individuals affected with SUFU-related conditions. ClinVar contains an entry for this variant (Variation ID: 1376361). Variants that disrupt the consensus splice site are a relatively common cause of aberrant splicing (PMID: 17576681, 9536098). Algorithms developed to predict the effect of sequence changes on RNA splicing suggest that this variant is not likely to affect RNA splicing. In summary, the available evidence is currently insufficient to determine the role of this variant in disease. Therefore, it has been classified as a Variant of Uncertain Significance.

Ambry Genetics
Classification: Uncertain significance for Hereditary cancer-predisposing syndrome. Last evaluated: 2024-02-14. Review status: criteria provided, single submitter. Criteria: Ambry Variant Classification Scheme 2023. Collection method: clinical testing. Allele origin: germline.
Comment: The c.1158-3C>T intronic variant results from a C to T substitution 3 nucleotides upstream from coding exon 10 in the SUFU gene. This nucleotide position is highly conserved in available vertebrate species. In silico splice site analysis predicts that this alteration will not have any significant effect on splicing. Based on the available evidence, the clinical significance of this alteration remains unclear.

Literature cited by the submitters: PubMed 17576681 (cited by Labcorp Genetics (formerly Invitae), Labcorp); PubMed 9536098 (cited by Labcorp Genetics (formerly Invitae), Labcorp).